The following is an entry in ClinVar:

NM_001164665.2(KIAA1549):c.397G>T (p.Ala133Ser)

Gene: KIAA1549 (KIAA1549; minus strand). Cytogenetic location: 7q34.
Variant type: single nucleotide variant.
Coding change: c.397G>T on transcript NM_001164665.2 (MANE Select); coding-DNA position 397, G replaced by T.
Protein change: p.Ala133Ser; replaces alanine 133 with serine.
Molecular consequence: missense variant.
Genome position (GRCh38, 1-based): chr7:138,919,229, C>A on the plus strand (G>T on the coding strand, the complement: KIAA1549 is on the minus strand). VCF-style: chr7-138919229-C-A. GRCh37 (hg19) VCF-style: chr7-138603975-C-A.
Other names: c.397G>T, p.Ala133Ser (NM_020910.3); short protein forms A133S.
Identifiers: ClinVar variation 2111556 (VCV002111556.4), dbSNP rs2485561797, ClinGen allele CA369403153.

ClinVar aggregate classification (germline): Uncertain significance (1 of 4 stars; one submission).

Submission:

Labcorp Genetics (formerly Invitae), Labcorp
Classification: Uncertain significance. Last evaluated: 2022-03-14. Review status: criteria provided, single submitter. Criteria: Invitae Variant Classification Sherloc (09022015). Collection method: clinical testing. Allele origin: germline.
Comment: In summary, the available evidence is currently insufficient to determine the role of this variant in disease. Therefore, it has been classified as a Variant of Uncertain Significance. Algorithms developed to predict the effect of missense changes on protein structure and function are either unavailable or do not agree on the potential impact of this missense change (SIFT: "Deleterious"; PolyPhen-2: "Benign"; Align-GVGD: "Class C0"). This variant has not been reported in the literature in individuals affected with KIAA1549-related conditions. This variant is not present in population databases (gnomAD no frequency). This sequence change replaces alanine, which is neutral and non-polar, with serine, which is neutral and polar, at codon 133 of the KIAA1549 protein (p.Ala133Ser).